The following is an entry in ClinVar:

ClinVar aggregate classification (germline): Uncertain significance (1 of 4 stars; one submission).

gnomAD v4.1: 10 of 1,210,051 alleles (0.00083%); highest among the groups gnomAD compares: Non-Finnish European, 0.0011%; no homozygotes.

Submission:

GeneDx
Classification: Uncertain significance. Last evaluated: 2026-10-22. Review status: criteria provided, single submitter. Criteria: GeneDx Variant Classification Process June 2021. Collection method: clinical testing. Allele origin: germline.
Comment: In silico analysis supports a deleterious effect on splicing; Has not been previously published as pathogenic or benign to our knowledge

NM_201599.3(ZMYM3):c.2376A>G (p.Thr792=)

Gene: ZMYM3 (zinc finger MYM-type containing 3; minus strand). Cytogenetic location: Xq13.1.
Variant type: single nucleotide variant.
Coding change: c.2376A>G on transcript NM_201599.3 (MANE Select); coding-DNA position 2376, A replaced by G.
Protein change: p.Thr792=; no amino-acid change (threonine 792 retained).
Molecular consequence: synonymous variant.
Genome position (GRCh38, 1-based): chrX:71,246,631, T>C on the plus strand (A>G on the coding strand, the complement: ZMYM3 is on the minus strand). VCF-style: chrX-71246631-T-C. GRCh37 (hg19) VCF-style: chrX-70466481-T-C.
Other names: c.2376A>G, p.Thr792= (NM_001171162.1, NM_005096.3).
Identifiers: ClinVar variation 3764312 (VCV003764312.2).
Genomic context (GRCh38, chrX:71,246,631, plus strand): 5'-CTCCCCCTTGGCTTTTGCCCCGACCTTGCCCAAATTCCCATTTTCCTCTGGGGTCCTCAC[T>C]GTGTTGCTGTTCTCCACTTTGGTTTGAGAGGGTGTCTGGGGTTTTGACTCAGGAGACTGA-3'
Protein context (NP_963893.1, residues 782-802): PSQTKVENSN[Thr792=]VRTPEENGNL